The following is an entry in ClinVar:

NM_000487.6(ARSA):c.535dup (p.Val179fs)

Gene: ARSA (arylsulfatase A; minus strand). Cytogenetic location: 22q13.33.
Variant type: Duplication.
Coding change: c.535dup on transcript NM_000487.6 (MANE Select); coding-DNA position 535, one base duplicated (G; older notation c.535dupG).
Protein change: p.Val179fs; shifts the reading frame from valine 179.
Molecular consequence: frameshift variant.
Genome position (GRCh38, 1-based): chr22:50,626,983, C duplicated on the plus strand (G on the coding strand, the reverse complement: ARSA is on the minus strand); the first of 2 consecutive C bases (chr22:50,626,983-50,626,984); duplicating either gives the same sequence. VCF-style (leftmost placement, unchanged base first): chr22-50626982-A-AC. GRCh37 (hg19) VCF-style: chr22-51065410-A-AC.
Other names: c.535dup, p.Val179fs (NM_001085425.3, NM_001085426.3, NM_001085427.3); c.277dup, p.Val93fs (NM_001085428.3, NM_001362782.2); short protein forms V179fs, V93fs.
Identifiers: ClinVar variation 5011867 (VCV005011867.1).
Genomic context (GRCh38, chr22:50,626,982, plus strand): 5'-AGTCCGGGCAGCCAGGGGGGCTGCGCCTCCACGGACAGGTTGGCCAACAGTGGGATGGGG[A>AC]CCAGGCCCTGGTCACAGCCACCGTCGCAAGGAGTGGCCGGCGGGAAGCAGGTCAGGTTCT-3'

ClinVar aggregate classification (germline): Pathogenic (1 of 4 stars; one submission).

Conditions:
Metachromatic leukodystrophy (MLD). Also called: ARSA DEFICIENCY; CEREBROSIDE SULFATASE DEFICIENCY; METACHROMATIC LEUKOENCEPHALOPATHY; SULFATIDE LIPIDOSIS; Cerebral sclerosis diffuse metachromatic form; Arylsulfatase A Deficiency. Identifiers: Orphanet 512, MedGen C0023522, MONDO:0018868, OMIM 250100.

Submission:

Myriad Genetics, Inc.
Classification: Pathogenic for Metachromatic leukodystrophy. Last evaluated: 2023-09-27. Review status: criteria provided, single submitter. Criteria: Myriad Autosomal Dominant, Autosomal Recessive and X-Linked Classification Criteria (2023). Collection method: clinical testing. Allele origin: unknown.
Comment: NM_000487.5(ARSA):c.535dupG(V179Gfs*31) is expected to be pathogenic in the context of metachromatic leukodystrophy. This variant is predicted to lead to an abnormal or absent protein product due to the creation of a premature termination codon in ARSA, a gene where loss-of-function variants are known to be pathogenic. Please note: this variant was assessed in the context of healthy population screening.